The following is an entry in ClinVar:

NM_020999.4(NEUROG3):c.56G>T (p.Arg19Leu)

Gene: NEUROG3 (neurogenin 3; minus strand). Cytogenetic location: 10q22.1.
Variant type: single nucleotide variant.
Coding change: c.56G>T on transcript NM_020999.4 (MANE Select); coding-DNA position 56, G replaced by T.
Protein change: p.Arg19Leu; replaces arginine 19 with leucine.
Molecular consequence: missense variant.
Genome position (GRCh38, 1-based): chr10:69,572,988, C>A on the plus strand (G>T on the coding strand, the complement: NEUROG3 is on the minus strand). VCF-style: chr10-69572988-C-A. GRCh37 (hg19) VCF-style: chr10-71332744-C-A.
Other names: c.56G>T (NM_020999.3); short protein forms R19L.
Identifiers: ClinVar variation 1474987 (VCV001474987.8), dbSNP rs112344207, ClinGen allele CA5533789.

ClinVar aggregate classification (germline): Uncertain significance. Review status: criteria provided, multiple submitters, no conflicts (2 of 4 stars). 3 submissions from 3 submitters: Uncertain significance (3). Last evaluated 2025-08-22.

Conditions:
Inborn genetic diseases. Identifiers: MedGen C0950123, MeSH D030342.

Allele frequency attached by ClinVar (database versions not stated): gnomAD 0.00007 and 0.00004; ESP Exome Variant Server 0.00015.

Submissions (3):

Ambry Genetics
Classification: Uncertain significance for Inborn genetic diseases. Last evaluated: 2025-08-22. Review status: criteria provided, single submitter. Criteria: Ambry Variant Classification Scheme 2023. Collection method: clinical testing. Allele origin: germline.

Labcorp Genetics (formerly Invitae), Labcorp
Classification: Uncertain significance. Last evaluated: 2024-12-16. Review status: criteria provided, single submitter. Criteria: Invitae Variant Classification Sherloc (09022015). Collection method: clinical testing. Allele origin: germline.
Comment: This sequence change replaces arginine, which is basic and polar, with leucine, which is neutral and non-polar, at codon 19 of the NEUROG3 protein (p.Arg19Leu). This variant is present in population databases (rs112344207, gnomAD 0.02%). This variant has not been reported in the literature in individuals affected with NEUROG3-related conditions. ClinVar contains an entry for this variant (Variation ID: 1474987). An algorithm developed to predict the effect of missense changes on protein structure and function outputs the following: PolyPhen-2: "Benign". The leucine amino acid residue is found in multiple mammalian species, which suggests that this missense change does not adversely affect protein function. In summary, the available evidence is currently insufficient to determine the role of this variant in disease. Therefore, it has been classified as a Variant of Uncertain Significance.

GeneDx
Classification: Uncertain significance. Last evaluated: 2023-07-18. Review status: criteria provided, single submitter. Criteria: GeneDx Variant Classification Process June 2021. Collection method: clinical testing. Allele origin: germline. Affected: yes.
Comment: In silico analysis supports that this missense variant does not alter protein structure/function; Has not been previously published as pathogenic or benign to our knowledge